The following is an entry in ClinVar:

ClinVar aggregate classification (germline): Uncertain significance (1 of 4 stars; one submission).

gnomAD v4.1: 1 of 1,614,056 alleles (0.000062%); highest among the groups gnomAD compares: Non-Finnish European, 0.000085%; no homozygotes.

Submission:

Labcorp Genetics (formerly Invitae), Labcorp
Classification: Uncertain significance. Last evaluated: 2025-10-02. Review status: criteria provided, single submitter. Criteria: Invitae Variant Classification Sherloc (09022015). Collection method: clinical testing. Allele origin: germline.
Comment: This sequence change replaces arginine, which is basic and polar, with serine, which is neutral and polar, at codon 89 of the TGM6 protein (p.Arg89Ser). This variant is not present in population databases (gnomAD no frequency). This variant has not been reported in the literature in individuals affected with TGM6-related conditions. Invitae Evidence Modeling of protein sequence and biophysical properties (such as structural, functional, and spatial information, amino acid conservation, physicochemical variation, residue mobility, and thermodynamic stability) indicates that this missense variant is not expected to disrupt TGM6 protein function with a negative predictive value of 80%. In summary, the available evidence is currently insufficient to determine the role of this variant in disease. Therefore, it has been classified as a Variant of Uncertain Significance.

NM_198994.3(TGM6):c.267G>T (p.Arg89Ser)

Gene: TGM6 (transglutaminase 6; plus strand). Cytogenetic location: 20p13.
Variant type: single nucleotide variant.
Coding change: c.267G>T on transcript NM_198994.3 (MANE Select); coding-DNA position 267, G replaced by T.
Protein change: p.Arg89Ser; replaces arginine 89 with serine.
Molecular consequence: missense variant.
Genome position (GRCh38, 1-based): chr20:2,395,279, G>T. VCF-style: chr20-2395279-G-T. GRCh37 (hg19) VCF-style: chr20-2375925-G-T.
Other names: c.267G>T, p.Arg89Ser (NM_001254734.2); short protein forms R89S.
Identifiers: ClinVar variation 4778499 (VCV004778499.1).